The following is an entry in ClinVar:

ClinVar aggregate classification (germline): Uncertain significance (1 of 4 stars; one submission).

Conditions:
Autoimmune lymphoproliferative syndrome type 1. Also called: AUTOIMMUNE LYMPHOPROLIFERATIVE SYNDROME, TYPE I, AUTOSOMAL DOMINANT. Identifiers: Orphanet 3261, MedGen C2717884, MONDO:0011158, OMIM 601859.

Allele frequency attached by ClinVar (database versions not stated): gnomAD exomes below 0.00001.
gnomAD v4.1: 1 of 1,613,910 alleles (0.000062%); highest among the groups gnomAD compares: Non-Finnish European, 0.000085%; no homozygotes.

Submission:

Labcorp Genetics (formerly Invitae), Labcorp
Classification: Uncertain significance for Autoimmune lymphoproliferative syndrome. Last evaluated: 2021-04-02. Review status: criteria provided, single submitter. Criteria: Invitae Variant Classification Sherloc (09022015). Collection method: clinical testing. Allele origin: germline.
Comment: In summary, the available evidence is currently insufficient to determine the role of this variant in disease. Therefore, it has been classified as a Variant of Uncertain Significance. Algorithms developed to predict the effect of missense changes on protein structure and function are either unavailable or do not agree on the potential impact of this missense change (SIFT: "Not Available"; PolyPhen-2: "Possibly Damaging"; Align-GVGD: "Not Available"). This variant has not been reported in the literature in individuals with FAS-related conditions. This variant is not present in population databases (ExAC no frequency). This sequence change replaces threonine with isoleucine at codon 293 of the FAS protein (p.Thr293Ile). The threonine residue is moderately conserved and there is a moderate physicochemical difference between threonine and isoleucine.

NM_000043.6(FAS):c.878C>T (p.Thr293Ile)

Gene: FAS (Fas cell surface death receptor; plus strand). Cytogenetic location: 10q23.31.
Variant type: single nucleotide variant.
Coding change: c.878C>T on transcript NM_000043.6 (MANE Select); coding-DNA position 878, C replaced by T.
Protein change: p.Thr293Ile; replaces threonine 293 with isoleucine.
Molecular consequence: missense variant. On other transcripts: 3 prime UTR variant (2), non-coding transcript variant (7).
Genome position (GRCh38, 1-based): chr10:89,014,320, C>T. VCF-style: chr10-89014320-C-T. GRCh37 (hg19) VCF-style: chr10-90774077-C-T.
Other names: c.*201C>T (NM_001320619.2); c.815C>T, p.Thr272Ile (NM_152871.4); c.*190C>T (NM_152872.4); short protein forms T272I, T293I.
Identifiers: ClinVar variation 1397440 (VCV001397440.6), dbSNP rs2119447206, ClinGen allele CA377510020.